The following is an entry in ClinVar:

NM_005228.5(EGFR):c.1105C>A (p.Leu369Ile)

Genes: EGFR (epidermal growth factor receptor; plus strand), LOC126860048 (P300/CBP strongly-dependent group 1 enhancer GRCh37_chr7:55223847-55225046; plus strand). Cytogenetic location: 7p11.2.
Variant type: single nucleotide variant.
Coding change: c.1105C>A on transcript NM_005228.5 (MANE Select); coding-DNA position 1105, C replaced by A.
Protein change: p.Leu369Ile; replaces leucine 369 with isoleucine.
Molecular consequence: missense variant.
Genome position (GRCh38, 1-based): chr7:55,156,631, C>A. VCF-style: chr7-55156631-C-A. GRCh37 (hg19) VCF-style: chr7-55224324-C-A.
Other names: c.970C>A, p.Leu324Ile (NM_001346897.2, NM_001346899.2); c.1105C>A, p.Leu369Ile (NM_001346898.2, NM_201282.2, NM_201283.2 and 1 more transcripts); c.946C>A, p.Leu316Ile (NM_001346900.2); c.304C>A, p.Leu102Ile (NM_001346941.2); short protein forms L102I, L369I, L316I, L324I.
Identifiers: ClinVar variation 835019 (VCV000835019.13), dbSNP rs780131926, ClinGen allele CA4265474.

ClinVar aggregate classification (germline): Uncertain significance. Review status: criteria provided, multiple submitters, no conflicts (2 of 4 stars). 2 submissions from 2 submitters: Uncertain significance (2). Last evaluated 2025-09-09.

Conditions:
EGFR-related lung cancer (EGFR). Identifiers: MedGen CN130014.
Hereditary cancer-predisposing syndrome. Also called: Hereditary neoplastic syndrome; Neoplastic Syndromes, Hereditary; Tumor predisposition; Hereditary Cancer Syndrome. Identifiers: Orphanet 140162, MedGen C0027672, MeSH D009386, MONDO:0015356.

Allele frequency attached by ClinVar (database versions not stated): gnomAD exomes below 0.00001 and 0.00001; ExAC 0.00001; gnomAD 0.00001; TOPMed 0.00001.
gnomAD v4.1: 3 of 1,614,146 alleles (0.00019%); highest among the groups gnomAD compares: African/African-American, 0.004%; no homozygotes.

Submissions (2):

Labcorp Genetics (formerly Invitae), Labcorp
Classification: Uncertain significance for EGFR-related lung cancer. Last evaluated: 2025-09-09. Review status: criteria provided, single submitter. Criteria: Invitae Variant Classification Sherloc (09022015). Collection method: clinical testing. Allele origin: germline.
Comment: This sequence change replaces leucine, which is neutral and non-polar, with isoleucine, which is neutral and non-polar, at codon 369 of the EGFR protein (p.Leu369Ile). This variant is present in population databases (rs780131926, gnomAD 0.01%). This variant has not been reported in the literature in individuals affected with EGFR-related conditions. ClinVar contains an entry for this variant (Variation ID: 835019). Invitae Evidence Modeling of protein sequence and biophysical properties (such as structural, functional, and spatial information, amino acid conservation, physicochemical variation, residue mobility, and thermodynamic stability) indicates that this missense variant is not expected to disrupt EGFR protein function with a negative predictive value of 80%. In summary, the available evidence is currently insufficient to determine the role of this variant in disease. Therefore, it has been classified as a Variant of Uncertain Significance.

Ambry Genetics
Classification: Uncertain significance for Hereditary cancer-predisposing syndrome. Last evaluated: 2024-12-06. Review status: criteria provided, single submitter. Criteria: Ambry Variant Classification Scheme 2023. Collection method: clinical testing. Allele origin: germline.
Comment: The p.L369I variant (also known as c.1105C>A), located in coding exon 9 of the EGFR gene, results from a C to A substitution at nucleotide position 1105. The leucine at codon 369 is replaced by isoleucine, an amino acid with highly similar properties. This amino acid position is conserved. In addition, this alteration is predicted to be tolerated by in silico analysis. Based on the available evidence, the clinical significance of this variant remains unclear.